The following is an entry in ClinVar:

ClinVar aggregate classification (germline): Uncertain significance (1 of 4 stars; one submission).

gnomAD v4.1: 18 of 1,550,446 alleles (0.0012%); highest among the groups gnomAD compares: Non-Finnish European, 0.0016%; no homozygotes.

Submission:

Labcorp Genetics (formerly Invitae), Labcorp
Classification: Uncertain significance. Last evaluated: 2024-10-15. Review status: criteria provided, single submitter. Criteria: Invitae Variant Classification Sherloc (09022015). Collection method: clinical testing. Allele origin: germline.
Comment: This sequence change replaces glycine, which is neutral and non-polar, with serine, which is neutral and polar, at codon 6 of the PPP2R1A protein (p.Gly6Ser). This variant is not present in population databases (gnomAD no frequency). This variant has not been reported in the literature in individuals affected with PPP2R1A-related conditions. An algorithm developed to predict the effect of missense changes on protein structure and function (PolyPhen-2) suggests that this variant is likely to be tolerated. In summary, the available evidence is currently insufficient to determine the role of this variant in disease. Therefore, it has been classified as a Variant of Uncertain Significance.

NM_014225.6(PPP2R1A):c.16G>A (p.Gly6Ser)

Gene: PPP2R1A (protein phosphatase 2 scaffold subunit Aalpha; plus strand). Cytogenetic location: 19q13.41.
Variant type: single nucleotide variant.
Coding change: c.16G>A on transcript NM_014225.6 (MANE Select); coding-DNA position 16, G replaced by A.
Protein change: p.Gly6Ser; replaces glycine 6 with serine.
Molecular consequence: missense variant. On other transcripts: non-coding transcript variant (1).
Genome position (GRCh38, 1-based): chr19:52,190,112, G>A. VCF-style: chr19-52190112-G-A. GRCh37 (hg19) VCF-style: chr19-52693365-G-A.
Other names: short protein forms G6S.
Identifiers: ClinVar variation 3629254 (VCV003629254.2).